The following is an entry in ClinVar:

NM_001267550.2(TTN):c.31656dup (p.Val10553fs)

Gene: TTN (titin; minus strand). Cytogenetic location: 2q31.2.
Variant type: Duplication.
Coding change: c.31656dup on transcript NM_001267550.2 (MANE Select); coding-DNA position 31656, one base duplicated (A; older notation c.31656dupA).
Protein change: p.Val10553fs; shifts the reading frame from valine 10553.
Molecular consequence: frameshift variant. On other transcripts: intron variant (3).
Genome position (GRCh38, 1-based): chr2:178,692,519, T duplicated on the plus strand (A on the coding strand, the reverse complement: TTN is on the minus strand); the first of 6 consecutive T bases (chr2:178,692,519-178,692,524); duplicating any one gives the same sequence. VCF-style (leftmost placement, unchanged base first): chr2-178692518-C-CT. GRCh37 (hg19) VCF-style: chr2-179557245-C-CT.
Other names: c.30705dup, p.Val10236fs (NM_001256850.1); c.27924dup, p.Val9309fs (NM_133378.4); c.13282+45563dup (NM_003319.4); c.13858+45563dup (NM_133437.4); c.13657+45563dup (NM_133432.3); short protein forms V10553fs, V9309fs, V10236fs.
Identifiers: ClinVar variation 2949294 (VCV002949294.3), dbSNP rs2474526523, ClinGen allele CA2662147239.

ClinVar aggregate classification (germline): Likely pathogenic (1 of 4 stars; one submission).

Conditions:
Dilated cardiomyopathy 1G (CMD1G). Identifiers: Orphanet 154, MedGen C1858763, MONDO:0011400, OMIM 604145.
Autosomal recessive limb-girdle muscular dystrophy type 2J (LGMDR10). Also called: Limb-girdle muscular dystrophy, type 2J; MUSCULAR DYSTROPHY, LIMB-GIRDLE, AUTOSOMAL RECESSIVE 10. Identifiers: Orphanet 140922, MedGen C1837342, MONDO:0012127, OMIM 608807.

Submission:

Labcorp Genetics (formerly Invitae), Labcorp
Classification: Likely pathogenic for Dilated cardiomyopathy 1G; Autosomal recessive limb-girdle muscular dystrophy type 2J. Last evaluated: 2024-10-18. Review status: criteria provided, single submitter. Criteria: Invitae Variant Classification Sherloc (09022015). Collection method: clinical testing. Allele origin: germline.
Comment: This sequence change creates a premature translational stop signal (p.Val10553Serfs*10) in the TTN gene. While this is not anticipated to result in nonsense mediated decay, it is expected to create a truncated TTN protein. This variant is not present in population databases (gnomAD no frequency). This variant has not been reported in the literature in individuals affected with TTN-related conditions. This variant is located in the I band of TTN (PMID: 25589632). Truncating variants in this region have been reported in individuals affected with autosomal recessive centronuclear myopathy (PMID: 23975875, internal data). Truncating variants in this region have also been identified in individuals affected with autosomal dominant dilated cardiomyopathy and/or cardio-related conditions (PMID: 27869827, 32964742, internal data). In summary, the currently available evidence indicates that the variant is pathogenic, but additional data are needed to prove that conclusively. Therefore, this variant has been classified as Likely Pathogenic.

Literature cited by the submitters: PubMed 25589632; PubMed 23975875; PubMed 27869827; PubMed 32964742.